The following is an entry in ClinVar:

ClinVar aggregate classification (germline): Uncertain significance (1 of 4 stars; one submission).

Conditions:
Developmental and epileptic encephalopathy 94 (DEE94). Also called: CHD2-Related Neurodevelopmental Disorders; Epileptic encephalopathy, childhood-onset. Identifiers: Orphanet 1942, Orphanet 2382, MedGen C3809278, MONDO:0014150, OMIM 615369.

Allele frequency attached by ClinVar (database versions not stated): gnomAD exomes below 0.00001.
gnomAD v4.1: 2 of 1,612,822 alleles (0.00012%); highest among the groups gnomAD compares: Admixed American, 0.0033%; no homozygotes.

Submission:

Labcorp Genetics (formerly Invitae), Labcorp
Classification: Uncertain significance for Developmental and epileptic encephalopathy 94. Last evaluated: 2025-02-24. Review status: criteria provided, single submitter. Criteria: Invitae Variant Classification Sherloc (09022015). Collection method: clinical testing. Allele origin: germline.
Comment: This sequence change falls in intron 27 of the CHD2 gene. It does not directly change the encoded amino acid sequence of the CHD2 protein. It affects a nucleotide within the consensus splice site. This variant is present in population databases (no rsID available, gnomAD 0.003%). This variant has not been reported in the literature in individuals affected with CHD2-related conditions. ClinVar contains an entry for this variant (Variation ID: 1993723). Variants that disrupt the consensus splice site are a relatively common cause of aberrant splicing (PMID: 17576681, 9536098). Algorithms developed to predict the effect of sequence changes on RNA splicing suggest that this variant is not likely to affect RNA splicing. In summary, the available evidence is currently insufficient to determine the role of this variant in disease. Therefore, it has been classified as a Variant of Uncertain Significance.

Literature cited by the submitters: PubMed 17576681; PubMed 9536098.

NM_001271.4(CHD2):c.3456-3C>T

Gene: CHD2 (chromodomain helicase DNA binding protein 2; plus strand). Cytogenetic location: 15q26.1.
Variant type: single nucleotide variant.
Coding change: c.3456-3C>T on transcript NM_001271.4 (MANE Select); 3 bases into the intron before coding-DNA position 3456, C replaced by T.
Molecular consequence: intron variant.
Genome position (GRCh38, 1-based): chr15:92,992,856, C>T. VCF-style: chr15-92992856-C-T. GRCh37 (hg19) VCF-style: chr15-93536086-C-T.
Identifiers: ClinVar variation 1993723 (VCV001993723.4), dbSNP rs1341553376, ClinGen allele CA619618997.